The following is an entry in ClinVar:

NM_005559.4(LAMA1):c.3180C>T (p.Thr1060=)

Gene: LAMA1 (laminin subunit alpha 1; minus strand). Cytogenetic location: 18p11.31.
Variant type: single nucleotide variant.
Coding change: c.3180C>T on transcript NM_005559.4 (MANE Select); coding-DNA position 3180, C replaced by T.
Protein change: p.Thr1060=; no amino-acid change (threonine 1060 retained).
Molecular consequence: synonymous variant.
Genome position (GRCh38, 1-based): chr18:7,013,998, G>A on the plus strand (C>T on the coding strand, the complement: LAMA1 is on the minus strand). VCF-style: chr18-7013998-G-A. GRCh37 (hg19) VCF-style: chr18-7013997-G-A.
Other names: p.Thr1060=.
Identifiers: ClinVar variation 789456 (VCV000789456.11), dbSNP rs34712919, ClinGen allele CA8882363.

ClinVar aggregate classification (germline): Benign. Review status: criteria provided, multiple submitters, no conflicts (2 of 4 stars). 2 submissions from 2 submitters: Benign (2). Last evaluated 2026-01-22.

Allele frequency attached by ClinVar (database versions not stated): gnomAD exomes 0.00373; ExAC 0.00438; 1000 Genomes Project 0.01218; gnomAD 0.01271 and 0.01365; 1000 Genomes Project 30x 0.01296; TOPMed 0.01431; ESP Exome Variant Server 0.01461.
gnomAD v4.1: 6,217 of 1,613,832 alleles (0.39%); highest among the groups gnomAD compares: African/African-American, 4.1%; 69 homozygotes.

Submissions (2):

Labcorp Genetics (formerly Invitae), Labcorp
Classification: Benign. Last evaluated: 2026-01-22. Review status: criteria provided, single submitter. Criteria: Invitae Variant Classification Sherloc (09022015). Collection method: clinical testing. Allele origin: germline.

Mayo Clinic Laboratories, Mayo Clinic
Classification: Benign. Last evaluated: 2023-08-01. Review status: criteria provided, single submitter. Criteria: ACMG Guidelines, 2015. Collection method: clinical testing. Allele origin: germline. Observed: 4 variant alleles.
Comment: BA1, BS2, BP4, BP7